The following is an entry in ClinVar:

ClinVar aggregate classification (germline): Pathogenic. Review status: criteria provided, single submitter (1 of 4 stars). 2 submissions from 1 submitter: Pathogenic (2). Last evaluated 2016-12-24.

Conditions:
Sotos syndrome (SOTOS). Also called: CEREBRAL GIGANTISM; Sotos' syndrome; Distinctive facial appearance, overgrowth in childhood, and learning disabilities or delayed development; CHROMOSOME 5q35 DELETION SYNDROME; SOTOS SYNDROME 1. Identifiers: Orphanet 821, MedGen C0175695, MONDO:0019349, OMIM 117550.
Beckwith-Wiedemann syndrome (BWS). Also called: Exomphalos macroglossia gigantism syndrome; EMG SYNDROME. Identifiers: Orphanet 116, MedGen C0004903, MONDO:0007534, OMIM 130650.

Submissions (2):

Labcorp Genetics (formerly Invitae), Labcorp
Classification: Pathogenic for Beckwith-Wiedemann syndrome. Last evaluated: 2016-12-24. Review status: criteria provided, single submitter. Criteria: Invitae Variant Classification Sherloc (09022015). Collection method: clinical testing. Allele origin: germline.
Comment: This sequence change deletes 2 nucleotides from exon 2 of the NSD1 mRNA (c.880_881delGA), causing a frameshift at codon 294. This creates a premature translational stop signal (p.Glu294Ilefs*19) and is expected to result in an absent or disrupted protein product. While this particular variant has not been reported in the literature, loss-of-function variants in NSD1 are known to be pathogenic (PMID: 12807965, 15942875, 17565729). For these reasons, this variant has been classified as Pathogenic.

Labcorp Genetics (formerly Invitae), Labcorp
Classification: Pathogenic. Last evaluated: 2016-12-24. Review status: criteria provided, single submitter. Criteria: Invitae Variant Classification Sherloc (09022015). Collection method: clinical testing. Allele origin: germline.
Comment: the same text as in the submission from Labcorp Genetics (formerly Invitae), Labcorp above.

Literature cited by the submitters: PubMed 12807965; PubMed 15942875; PubMed 17565729.

NM_022455.5(NSD1):c.880_881del (p.Glu294fs)

Gene: NSD1 (nuclear receptor binding SET domain protein 1; plus strand). Cytogenetic location: 5q35.3.
Variant type: Deletion.
Coding change: c.880_881del on transcript NM_022455.5 (MANE Select); coding-DNA positions 880 to 881, 2 bases deleted (GA; older notation c.880_881delGA).
Protein change: p.Glu294fs; shifts the reading frame from glutamic acid 294.
Molecular consequence: frameshift variant.
Genome position (GRCh38, 1-based): chr5:177,135,983-177,135,984, GA deleted; deleting any 2 consecutive bases within chr5:177,135,982-177,135,984 gives the same sequence; the c. name uses the placement nearest the transcript's 3' end. VCF-style (leftmost placement, unchanged base first): chr5-177135981-TAG-T. GRCh37 (hg19) VCF-style: chr5-176562982-TAG-T.
Other names: c.7_8delGA, p.Glu3Ilefs (NM_001365684.2, NM_001409305.1, NM_001409306.1 and 4 more transcripts); c.880_881delGA, p.Glu294Ilefs (NM_001409301.1, NM_001409302.1, NM_001409303.1); c.460_461delGA, p.Glu154Ilefs (NM_001409304.1); short protein forms E25fs, E294fs.
Identifiers: ClinVar variation 407362 (VCV000407362.6), dbSNP rs1060501492, ClinGen allele CA16611841.